The following is an entry in ClinVar:

ClinVar aggregate classification (germline): Uncertain significance (1 of 4 stars; one submission).

Allele frequency attached by ClinVar (database versions not stated): gnomAD exomes below 0.00001.
gnomAD v4.1: 5 of 1,593,104 alleles (0.00031%); highest among the groups gnomAD compares: Non-Finnish European, 0.00043%; no homozygotes.

Submission:

Labcorp Genetics (formerly Invitae), Labcorp
Classification: Uncertain significance. Last evaluated: 2022-06-22. Review status: criteria provided, single submitter. Criteria: Invitae Variant Classification Sherloc (09022015). Collection method: clinical testing. Allele origin: germline.
Comment: This sequence change replaces glutamic acid, which is acidic and polar, with glutamine, which is neutral and polar, at codon 113 of the SLC25A12 protein (p.Glu113Gln). This variant is not present in population databases (gnomAD no frequency). This variant has not been reported in the literature in individuals affected with SLC25A12-related conditions. Algorithms developed to predict the effect of missense changes on protein structure and function (SIFT, PolyPhen-2, Align-GVGD) all suggest that this variant is likely to be tolerated. In summary, the available evidence is currently insufficient to determine the role of this variant in disease. Therefore, it has been classified as a Variant of Uncertain Significance.

NM_003705.5(SLC25A12):c.337G>C (p.Glu113Gln)

Gene: SLC25A12 (solute carrier family 25 member 12; minus strand). Cytogenetic location: 2q31.1.
Variant type: single nucleotide variant.
Coding change: c.337G>C on transcript NM_003705.5 (MANE Select); coding-DNA position 337, G replaced by C.
Protein change: p.Glu113Gln; replaces glutamic acid 113 with glutamine.
Molecular consequence: missense variant. On other transcripts: non-coding transcript variant (1).
Genome position (GRCh38, 1-based): chr2:171,844,497, C>G on the plus strand (G>C on the coding strand, the complement: SLC25A12 is on the minus strand). VCF-style: chr2-171844497-C-G. GRCh37 (hg19) VCF-style: chr2-172701007-C-G.
Other names: short protein forms E113Q.
Identifiers: ClinVar variation 1901856 (VCV001901856.4), dbSNP rs1684750035, ClinGen allele CA349626527.